The following is an entry in ClinVar:

ClinVar aggregate classification (germline): Uncertain significance (1 of 4 stars; one submission).

Conditions:
Atrial fibrillation, familial, 7 (ATFB7). Identifiers: MedGen C2677106, MONDO:0012828, OMIM 612240.

Submission:

Labcorp Genetics (formerly Invitae), Labcorp
Classification: Uncertain significance for Atrial fibrillation, familial, 7. Last evaluated: 2025-08-18. Review status: criteria provided, single submitter. Criteria: Invitae Variant Classification Sherloc (09022015). Collection method: clinical testing. Allele origin: germline.
Comment: This sequence change replaces serine, which is neutral and polar, with alanine, which is neutral and non-polar, at codon 417 of the KCNA5 protein (p.Ser417Ala). This variant is not present in population databases (gnomAD no frequency). This variant has not been reported in the literature in individuals affected with KCNA5-related conditions. Invitae Evidence Modeling of protein sequence and biophysical properties (such as structural, functional, and spatial information, amino acid conservation, physicochemical variation, residue mobility, and thermodynamic stability) indicates that this missense variant is expected to disrupt KCNA5 protein function with a positive predictive value of 80%. In summary, the available evidence is currently insufficient to determine the role of this variant in disease. Therefore, it has been classified as a Variant of Uncertain Significance.

NM_002234.4(KCNA5):c.1249T>G (p.Ser417Ala)

Gene: KCNA5 (potassium voltage-gated channel subfamily A member 5; plus strand). Cytogenetic location: 12p13.32.
Variant type: single nucleotide variant.
Coding change: c.1249T>G on transcript NM_002234.4 (MANE Select); coding-DNA position 1249, T replaced by G.
Protein change: p.Ser417Ala; replaces serine 417 with alanine.
Molecular consequence: missense variant.
Genome position (GRCh38, 1-based): chr12:5,045,396, T>G. VCF-style: chr12-5045396-T-G. GRCh37 (hg19) VCF-style: chr12-5154562-T-G.
Other names: short protein forms S417A.
Identifiers: ClinVar variation 4708039 (VCV004708039.1).